The following is an entry in ClinVar:

ClinVar aggregate classification (germline): Uncertain significance. Review status: criteria provided, multiple submitters, no conflicts (2 of 4 stars). 2 submissions from 2 submitters: Uncertain significance (2). Last evaluated 2024-09-26.

Conditions:
Cardiovascular phenotype. Identifiers: MedGen CN230736.

Allele frequency attached by ClinVar (database versions not stated): TOPMed 0.00001.

Submissions (2):

Ambry Genetics
Classification: Uncertain significance for Cardiovascular phenotype. Last evaluated: 2024-09-26. Review status: criteria provided, single submitter. Criteria: Ambry Variant Classification Scheme 2023. Collection method: clinical testing. Allele origin: germline.
Comment: The p.M54L variant (also known as c.160A>C), located in coding exon 1 of the KCNJ5 gene, results from an A to C substitution at nucleotide position 160. The methionine at codon 54 is replaced by leucine, an amino acid with highly similar properties. This amino acid position is not well conserved in available vertebrate species. In addition, the in silico prediction for this alteration is inconclusive. Based on the available evidence, the clinical significance of this variant remains unclear.

GeneDx
Classification: Uncertain significance. Last evaluated: 2021-05-20. Review status: criteria provided, single submitter. Criteria: GeneDx Variant Classification Process June 2021. Collection method: clinical testing. Allele origin: germline. Affected: yes.
Comment: Has not been previously published as pathogenic or benign to our knowledge; Not observed in large population cohorts (Lek et al., 2016); In silico analysis supports that this missense variant does not alter protein structure/function

NM_000890.5(KCNJ5):c.160A>C (p.Met54Leu)

Gene: KCNJ5 (potassium inwardly rectifying channel subfamily J member 5; plus strand). Cytogenetic location: 11q24.3.
Variant type: single nucleotide variant.
Coding change: c.160A>C on transcript NM_000890.5 (MANE Select); coding-DNA position 160, A replaced by C.
Protein change: p.Met54Leu; replaces methionine 54 with leucine.
Molecular consequence: missense variant.
Genome position (GRCh38, 1-based): chr11:128,911,433, A>C. VCF-style: chr11-128911433-A-C. GRCh37 (hg19) VCF-style: chr11-128781328-A-C.
Other names: c.160A>C, p.Met54Leu (NM_001354169.2); short protein forms M54L.
Identifiers: ClinVar variation 1325992 (VCV001325992.3), dbSNP rs1368008601, ClinGen allele CA383246261.
Genomic context (GRCh38, chr11:128,911,433, plus strand): 5'-CCCATTGCCACAGACCGTACGCGCCTGCTGGCCGAGGGCAAGAAGCCACGCCAGCGCTAC[A>C]TGGAGAAGAGTGGCAAGTGCAACGTGCACCACGGCAACGTCCAGGAGACCTACCGGTACC-3'
Protein context (NP_000881.3, residues 44-64): AEGKKPRQRY[Met54Leu]EKSGKCNVHH